The following is an entry in ClinVar:

ClinVar aggregate classification (germline): Uncertain significance (1 of 4 stars; one submission).

Submission:

Women's Health and Genetics/Laboratory Corporation of America, LabCorp
Classification: Uncertain significance. Last evaluated: 2025-12-09. Review status: criteria provided, single submitter. Criteria: LabCorp Variant Classification Summary - May 2015. Collection method: clinical testing. Allele origin: germline.
Comment: Variant summary: SKI c.1934G>T (p.Arg645Leu) results in a non-conservative amino acid change in the encoded protein sequence. Algorithms developed to predict the effect of missense changes on protein structure and function all suggest that this variant is likely to be disruptive. The frequency data for this variant in gnomAD is considered unreliable, as metrics indicate poor data quality at this position. To our knowledge, no occurrence of c.1934G>T in individuals affected with SKI-related conditions and no experimental evidence demonstrating its impact on protein function have been reported. No submitters have cited clinical-significance assessments for this variant to ClinVar. Based on the evidence outlined above, the variant was classified as uncertain significance.

NM_003036.4(SKI):c.1934G>T (p.Arg645Leu)

Gene: SKI (SKI proto-oncogene; plus strand). Cytogenetic location: 1p36.32.
Variant type: single nucleotide variant.
Coding change: c.1934G>T on transcript NM_003036.4 (MANE Select); coding-DNA position 1934, G replaced by T.
Protein change: p.Arg645Leu; replaces arginine 645 with leucine.
Molecular consequence: missense variant.
Genome position (GRCh38, 1-based): chr1:2,306,186, G>T. VCF-style: chr1-2306186-G-T. GRCh37 (hg19) VCF-style: chr1-2237625-G-T.
Other names: short protein forms R645L.
Identifiers: ClinVar variation 4688455 (VCV004688455.1).